The following is an entry in ClinVar:

NM_001429.4(EP300):c.3397C>T (p.Arg1133Trp)

Gene: EP300 (EP300 lysine acetyltransferase; plus strand). Cytogenetic location: 22q13.2.
Variant type: single nucleotide variant.
Coding change: c.3397C>T on transcript NM_001429.4 (MANE Select); coding-DNA position 3397, C replaced by T.
Protein change: p.Arg1133Trp; replaces arginine 1133 with tryptophan.
Molecular consequence: missense variant.
Genome position (GRCh38, 1-based): chr22:41,157,304, C>T. VCF-style: chr22-41157304-C-T. GRCh37 (hg19) VCF-style: chr22-41553308-C-T.
Other names: c.3319C>T, p.Arg1107Trp (NM_001362843.2); short protein forms R1107W, R1133W.
Identifiers: ClinVar variation 2653203 (VCV002653203.27), dbSNP rs1203250209, ClinGen allele CA411694844.

ClinVar aggregate classification (germline): Uncertain significance. Review status: criteria provided, multiple submitters, no conflicts (2 of 4 stars). 3 submissions from 3 submitters: Uncertain significance (3). Last evaluated 2024-02-01.

Conditions:
Rubinstein-Taybi syndrome due to EP300 haploinsufficiency. Also called: EP300-Related Rubinstein-Taybi Syndrome; RUBINSTEIN-TAYBI SYNDROME 2. Identifiers: Orphanet 353284, Orphanet 783, MedGen C3150941, MONDO:0013364, OMIM 613684.

Submissions (3):

Women's Health and Genetics/Laboratory Corporation of America, LabCorp
Classification: Uncertain significance. Last evaluated: 2024-02-01. Review status: criteria provided, single submitter. Criteria: LabCorp Variant Classification Summary - May 2015. Collection method: clinical testing. Allele origin: germline.
Comment: Variant summary: EP300 c.3397C>T (p.Arg1133Trp) results in a non-conservative amino acid change located in the Bromodomain (IPR001487) of the encoded protein sequence. Four of five in-silico tools predict a damaging effect of the variant on protein function. The variant was absent in 251434 control chromosomes (gnomAD). The available data on variant occurrences in the general population are insufficient to allow any conclusion about variant significance. To our knowledge, no occurrence of c.3397C>T in individuals affected with Rubinstein-Taybi Syndrome 2 and no experimental evidence demonstrating its impact on protein function have been reported. ClinVar contains an entry for this variant (Variation ID: 2653203). Based on the evidence outlined above, the variant was classified as uncertain significance.

Labcorp Genetics (formerly Invitae), Labcorp
Classification: Uncertain significance for Rubinstein-Taybi syndrome due to EP300 haploinsufficiency. Last evaluated: 2023-01-29. Review status: criteria provided, single submitter. Criteria: Invitae Variant Classification Sherloc (09022015). Collection method: clinical testing. Allele origin: germline.
Comment: In summary, the available evidence is currently insufficient to determine the role of this variant in disease. Therefore, it has been classified as a Variant of Uncertain Significance. Advanced modeling of protein sequence and biophysical properties (such as structural, functional, and spatial information, amino acid conservation, physicochemical variation, residue mobility, and thermodynamic stability) performed at Invitae indicates that this missense variant is expected to disrupt EP300 protein function. This variant has not been reported in the literature in individuals affected with EP300-related conditions. This variant is not present in population databases (gnomAD no frequency). This sequence change replaces arginine, which is basic and polar, with tryptophan, which is neutral and slightly polar, at codon 1133 of the EP300 protein (p.Arg1133Trp).

CeGaT Center for Human Genetics Tuebingen
Classification: Uncertain significance. Last evaluated: 2023-01-01. Review status: criteria provided, single submitter. Criteria: CeGaT Center For Human Genetics Tuebingen Variant Classification Criteria Version 2. Collection method: clinical testing. Allele origin: germline. Affected: yes. Observed: 1 variant allele.